The following is an entry in ClinVar:

ClinVar aggregate classification (germline): Likely benign. Review status: criteria provided, single submitter (1 of 4 stars). 2 submissions from 2 submitters: Likely benign (1). 1 of the submissions does not count toward it. Last evaluated 2023-09-20.

Conditions:
SCAPER-related disorder. Also called: SCAPER-related condition.

gnomAD v4.1: 327 of 1,611,712 alleles (0.02%); highest among the groups gnomAD compares: Non-Finnish European, 0.025%; no homozygotes.

Submissions (2):

Blueprint Genetics
Classification: Likely benign. Last evaluated: 2023-09-20. Review status: criteria provided, single submitter. Criteria: ACMG Guidelines, 2015. Collection method: clinical testing. Allele origin: germline.

PreventionGenetics, part of Exact Sciences
Classification: Likely benign for SCAPER-related condition. Last evaluated: 2024-08-02. Review status: no assertion criteria provided. Collection method: clinical testing. Allele origin: germline. Not counted in ClinVar's aggregate classification.
Comment: This variant is classified as likely benign based on ACMG/AMP sequence variant interpretation guidelines (Richards et al. 2015 PMID: 25741868, with internal and published modifications).

NM_020843.4(SCAPER):c.3534C>T (p.Thr1178=)

Gene: SCAPER (S-phase cyclin A associated protein in the ER; minus strand). Cytogenetic location: 15q24.3.
Variant type: single nucleotide variant.
Coding change: c.3534C>T on transcript NM_020843.4 (MANE Select); coding-DNA position 3534, C replaced by T.
Protein change: p.Thr1178=; no amino-acid change (threonine 1178 retained).
Molecular consequence: synonymous variant. On other transcripts: non-coding transcript variant (1).
Genome position (GRCh38, 1-based): chr15:76,381,549, G>A on the plus strand (C>T on the coding strand, the complement: SCAPER is on the minus strand). VCF-style: chr15-76381549-G-A. GRCh37 (hg19) VCF-style: chr15-76673890-G-A.
Other names: c.2796C>T, p.Thr932= (NM_001145923.2); c.3552C>T, p.Thr1184= (NM_001353009.2); c.3132C>T, p.Thr1044= (NM_001353010.2, NM_001353012.2); c.3150C>T, p.Thr1050= (NM_001353011.2).
Identifiers: ClinVar variation 3352640 (VCV003352640.2).